The following is an entry in ClinVar:

NM_000257.4(MYH7):c.3100-11C>T

Gene: MYH7 (myosin heavy chain 7; minus strand). Cytogenetic location: 14q11.2.
Variant type: single nucleotide variant.
Coding change: c.3100-11C>T on transcript NM_000257.4 (MANE Select); 11 bases into the intron before coding-DNA position 3100, C replaced by T.
Molecular consequence: intron variant.
Genome position (GRCh38, 1-based): chr14:23,422,336, G>A on the plus strand (C>T on the coding strand, the complement: MYH7 is on the minus strand). VCF-style: chr14-23422336-G-A. GRCh37 (hg19) VCF-style: chr14-23891545-G-A.
Other names: c.3100-11C>T (NM_001407004.1).
Identifiers: ClinVar variation 2777515 (VCV002777515.4), dbSNP rs751991999, ClinGen allele CA035564.
Genomic context (GRCh38, chr14:23,422,336, plus strand): 5'-CGCTCCAGGTCCATGCGCACCTTCTTCTCTTGCTCCAGGGATCCTTCCAGCTGGTAGAGA[G>A]AAGGAGCCAGGCCCAGTGAGGCAAAGCATCCTGACTTGGTGATTTTGTTGTTCAGTTACC-3'

ClinVar aggregate classification (germline): Likely benign. Review status: criteria provided, multiple submitters, no conflicts (2 of 4 stars). 2 submissions from 2 submitters: Likely benign (2). Last evaluated 2024-09-17.

Conditions:
Cardiomyopathy (CMYO). Also called: Cardiomyopathies. Identifiers: Orphanet 167848, MedGen C0878544, MONDO:0004994, HP:0001638. Inheritance: Various modes of inheritance.
Hypertrophic cardiomyopathy. Also called: HYPERTROPHIC MYOCARDIOPATHY. Identifiers: Orphanet 217569, MedGen C0007194, MeSH D002312, MONDO:0005045, HP:0001639.

Allele frequency attached by ClinVar (database versions not stated): gnomAD exomes below 0.00001; ExAC 0.00001.
gnomAD v4.1: 2 of 1,614,186 alleles (0.00012%); highest among the groups gnomAD compares: East Asian, 0.0045%; no homozygotes.

Submissions (2):

Labcorp Genetics (formerly Invitae), Labcorp
Classification: Likely benign for Hypertrophic cardiomyopathy. Last evaluated: 2024-09-17. Review status: criteria provided, single submitter. Criteria: Invitae Variant Classification Sherloc (09022015). Collection method: clinical testing. Allele origin: germline.

All of Us Research Program, National Institutes of Health
Classification: Likely benign for Cardiomyopathy. Last evaluated: 2024-06-09. Review status: criteria provided, single submitter. Criteria: ACMG Guidelines, 2015. Collection method: clinical testing. Allele origin: germline. Inheritance: Autosomal dominant inheritance. Observed: 1 variant allele, 1 heterozygote.
Comment: This study involves interpretation of variants in research participants for the purpose of population health screening. Participant phenotype was not available at the time of variant classification. Additional details can be found in publication PMID: 35346344, PMCID: PMC8962531